The following is an entry in ClinVar:

ClinVar aggregate classification (germline): Likely benign. Review status: criteria provided, multiple submitters, no conflicts (2 of 4 stars). 2 submissions from 2 submitters: Likely benign (2). Last evaluated 2025-03-04.

Allele frequency attached by ClinVar (database versions not stated): TOPMed 0.00003; gnomAD exomes 0.00016; ExAC 0.00028; 1000 Genomes Project 30x 0.00047.

Submissions (2):

Center for Genomic Medicine, Rigshospitalet, Copenhagen University Hospital
Classification: Likely benign. Last evaluated: 2025-03-04. Review status: criteria provided, single submitter. Criteria: ACMG Guidelines, 2015. Collection method: clinical testing. Allele origin: germline.

GeneDx
Classification: Likely benign. Last evaluated: 2017-07-28. Review status: criteria provided, single submitter. Criteria: GeneDx Variant Classification (06012015). Collection method: clinical testing. Allele origin: germline. Affected: yes.
Comment: This variant is considered likely benign or benign based on one or more of the following criteria: it is a conservative change, it occurs at a poorly conserved position in the protein, it is predicted to be benign by multiple in silico algorithms, and/or has population frequency not consistent with disease.

NM_006231.4(POLE):c.-32C>G

Genes: POLE (DNA polymerase epsilon, catalytic subunit; minus strand), LOC130009266 (ATAC-STARR-seq lymphoblastoid silent region 5123; plus strand). Cytogenetic location: 12q24.33.
Variant type: single nucleotide variant.
Coding change: c.-32C>G on transcript NM_006231.4 (MANE Select); 32 bases upstream of the start codon, C replaced by G.
Genome position (GRCh38, 1-based): chr12:132,687,347, G>C on the plus strand (C>G on the coding strand, the complement: POLE is on the minus strand). VCF-style: chr12-132687347-G-C. GRCh37 (hg19) VCF-style: chr12-133263933-G-C.
Identifiers: ClinVar variation 389302 (VCV000389302.5), dbSNP rs764493951, ClinGen allele CA6894479.